The following is an entry in ClinVar:

ClinVar aggregate classification (germline): Likely pathogenic (1 of 4 stars; one submission).

Conditions:
Hereditary spherocytosis type 2. Also called: SPHEROCYTOSIS, TYPE 2, AUTOSOMAL DOMINANT. Identifiers: Orphanet 822, MedGen C2674219, MONDO:0000913, OMIM 616649.

Submission:

3billion
Classification: Likely pathogenic for Hereditary spherocytosis type 2. Last evaluated: 2024-09-25. Review status: criteria provided, single submitter. Criteria: ACMG Guidelines, 2015. Collection method: clinical testing. Allele origin: germline. Affected: yes.
Comment: The variant is not observed in the gnomAD v4.0.0 dataset. Predicted Consequence/Location: Frameshift: predicted to result in a loss or disruption of normal protein function through nonsense-mediated decay (NMD) or protein truncation. Multiple pathogenic variants are reported downstream of the variant. Therefore, this variant is classified as Likely pathogenic according to the recommendation of ACMG/AMP guideline.

NM_001355436.2(SPTB):c.3954del (p.Phe1318fs)

Gene: SPTB (spectrin beta, erythrocytic; minus strand). Cytogenetic location: 14q23.3.
Variant type: Deletion.
Coding change: c.3954del on transcript NM_001355436.2 (MANE Select); coding-DNA position 3954, one base deleted (T; older notation c.3954delT).
Protein change: p.Phe1318fs; shifts the reading frame from phenylalanine 1318.
Molecular consequence: frameshift variant.
Genome position (GRCh38, 1-based): chr14:64,784,295, A deleted on the plus strand (T on the coding strand, the reverse complement: SPTB is on the minus strand); the first of 3 consecutive A bases (chr14:64,784,295-64,784,297); deleting any one gives the same sequence. VCF-style (leftmost placement, unchanged base first): chr14-64784294-CA-C. GRCh37 (hg19) VCF-style: chr14-65251012-CA-C.
Other names: c.3954del, p.Phe1318fs (NM_001024858.4, NM_001355437.2); short protein forms F1318fs.
Identifiers: ClinVar variation 4293124 (VCV004293124.1).
Genomic context (GRCh38, chr14:64,784,294, plus strand): 5'-TCACTTTACTTACCGCATCGATGTTCTCTAGCCACCCTTCATGGGAAGCCAGCTCTGCCA[CA>C]AACGCCTGGTGCTTTAGCCATTTATTGTGAAGGTTTCGTGCTTCATCATAGGAGACATCC-3'